The following is an entry in ClinVar:

NM_001378204.1(CCDC18):c.324T>C (p.Pro108=)

Gene: CCDC18 (coiled-coil domain containing 18; plus strand). Cytogenetic location: 1p22.1.
Variant type: single nucleotide variant.
Coding change: c.324T>C on transcript NM_001378204.1 (MANE Select); coding-DNA position 324, T replaced by C.
Protein change: p.Pro108=; no amino-acid change (proline 108 retained).
Molecular consequence: synonymous variant.
Genome position (GRCh38, 1-based): chr1:93,186,365, T>C. VCF-style: chr1-93186365-T-C. GRCh37 (hg19) VCF-style: chr1-93651922-T-C.
Other names: c.324T>C, p.Pro108= (NM_001306076.1, NM_206886.4).
Identifiers: ClinVar variation 783939 (VCV000783939.7), dbSNP rs74596359, ClinGen allele CA953747.

ClinVar aggregate classification (germline): Benign. Review status: criteria provided, multiple submitters, no conflicts (2 of 4 stars). 3 submissions from 3 submitters: Benign (2). 1 of the submissions does not count toward it. Last evaluated 2019-12-31.

Conditions:
CCDC18-related disorder. Also called: CCDC18-related condition.

Allele frequency attached by ClinVar (database versions not stated): gnomAD exomes 0.00144 and 0.00370; 1000 Genomes Project 30x 0.01483; 1000 Genomes Project 0.01298; gnomAD 0.01665 and 0.01528; TOPMed 0.01730; ExAC 0.00446; ESP Exome Variant Server 0.01730.
gnomAD v4.1: 4,486 of 1,610,980 alleles (0.28%); highest among the groups gnomAD compares: African/African-American, 5.3%; 116 homozygotes.

Submissions (3):

Labcorp Genetics (formerly Invitae), Labcorp
Classification: Benign. Last evaluated: 2019-12-31. Review status: criteria provided, single submitter. Criteria: Invitae Variant Classification Sherloc (09022015). Collection method: clinical testing. Allele origin: germline.

Breakthrough Genomics
Classification: Benign. Review status: criteria provided, single submitter. Criteria: ACMG Guidelines, 2015. Collection method: not provided. Allele origin: germline. Inheritance: Unknown mechanism. Affected: yes.

PreventionGenetics, part of Exact Sciences
Classification: Benign for CCDC18-related condition. Last evaluated: 2019-02-18. Review status: no assertion criteria provided. Collection method: clinical testing. Allele origin: germline. Not counted in ClinVar's aggregate classification.
Comment: This variant is classified as benign based on ACMG/AMP sequence variant interpretation guidelines (Richards et al. 2015 PMID: 25741868, with internal and published modifications).